The following is an entry in ClinVar:

NM_003801.4(GPAA1):c.58C>T (p.Leu20Phe)

Genes: GPAA1 (glycosylphosphatidylinositol anchor attachment 1; plus strand), LOC130001364 (ATAC-STARR-seq lymphoblastoid silent region 19654; plus strand). Cytogenetic location: 8q24.3.
Variant type: single nucleotide variant.
Coding change: c.58C>T on transcript NM_003801.4 (MANE Select); coding-DNA position 58, C replaced by T.
Protein change: p.Leu20Phe; replaces leucine 20 with phenylalanine.
Molecular consequence: missense variant.
Genome position (GRCh38, 1-based): chr8:144,082,788, C>T. VCF-style: chr8-144082788-C-T. GRCh37 (hg19) VCF-style: chr8-145137691-C-T.
Other names: c.58C>T (NM_003801.3); short protein forms L20F.
Identifiers: ClinVar variation 1433443 (VCV001433443.3), dbSNP rs1454300470, ClinGen allele CA372597303.

ClinVar aggregate classification (germline): Uncertain significance. Review status: criteria provided, multiple submitters, no conflicts (2 of 4 stars). 2 submissions from 2 submitters: Uncertain significance (2). Last evaluated 2022-12-14.

Allele frequency attached by ClinVar (database versions not stated): TOPMed 0.00001.

Submissions (2):

GeneDx
Classification: Uncertain significance. Last evaluated: 2022-12-14. Review status: criteria provided, single submitter. Criteria: GeneDx Variant Classification Process June 2021. Collection method: clinical testing. Allele origin: germline. Affected: yes.
Comment: Not observed at significant frequency in large population cohorts (gnomAD); In silico analysis supports that this missense variant does not alter protein structure/function; Has not been previously published as pathogenic or benign to our knowledge

Labcorp Genetics (formerly Invitae), Labcorp
Classification: Uncertain significance. Last evaluated: 2022-03-22. Review status: criteria provided, single submitter. Criteria: Invitae Variant Classification Sherloc (09022015). Collection method: clinical testing. Allele origin: germline.
Comment: This sequence change replaces leucine, which is neutral and non-polar, with phenylalanine, which is neutral and non-polar, at codon 20 of the GPAA1 protein (p.Leu20Phe). This variant is present in population databases (no rsID available, gnomAD 0.007%). This variant has not been reported in the literature in individuals affected with GPAA1-related conditions. Algorithms developed to predict the effect of missense changes on protein structure and function (SIFT, PolyPhen-2, Align-GVGD) all suggest that this variant is likely to be tolerated. In summary, the available evidence is currently insufficient to determine the role of this variant in disease. Therefore, it has been classified as a Variant of Uncertain Significance.